The following is an entry in ClinVar:

NM_144628.4(TBC1D20):c.62A>G (p.Glu21Gly)

Genes: TBC1D20 (TBC1 domain family member 20; minus strand), LOC130065265 (ATAC-STARR-seq lymphoblastoid silent region 12577; plus strand). Cytogenetic location: 20p13.
Variant type: single nucleotide variant.
Coding change: c.62A>G on transcript NM_144628.4 (MANE Select); coding-DNA position 62, A replaced by G.
Protein change: p.Glu21Gly; replaces glutamic acid 21 with glycine.
Molecular consequence: missense variant. On other transcripts: non-coding transcript variant (1).
Genome position (GRCh38, 1-based): chr20:462,344, T>C on the plus strand (A>G on the coding strand, the complement: TBC1D20 is on the minus strand). VCF-style: chr20-462344-T-C. GRCh37 (hg19) VCF-style: chr20-442988-T-C.
Other names: c.62A>G (NM_144628.2); short protein forms E21G.
Identifiers: ClinVar variation 1941956 (VCV001941956.6), dbSNP rs2017648481, ClinGen allele CA407952790.
Genomic context (GRCh38, chr20:462,344, plus strand): 5'-CCCCCGGGCCGCCCTCGCAGGCCGCTCCCGGCGCCCCGGTCGGCTTCCGTACCTGCCTTC[T>C]CCGCGCCGCCGTCCCAGTGGCCGGAGGTGGGGCCGTCGCCCTGCGCACTCCGGAGGGCCA-3'
Protein context (NP_653229.1, residues 11-31): PTSGHWDGGA[Glu21Gly]KADFNAKRKK

ClinVar aggregate classification (germline): Uncertain significance. Review status: criteria provided, multiple submitters, no conflicts (2 of 4 stars). 2 submissions from 2 submitters: Uncertain significance (2). Last evaluated 2025-01-01.

Conditions:
Inborn genetic diseases. Identifiers: MedGen C0950123, MeSH D030342.

Allele frequency attached by ClinVar (database versions not stated): gnomAD exomes below 0.00001; TOPMed below 0.00001.
gnomAD v4.1: 4 of 1,304,910 alleles (0.00031%); highest among the groups gnomAD compares: East Asian, 0.0036%; no homozygotes.

Submissions (2):

Ambry Genetics
Classification: Uncertain significance for Inborn genetic diseases. Last evaluated: 2025-01-01. Review status: criteria provided, single submitter. Criteria: Ambry Variant Classification Scheme 2023. Collection method: clinical testing. Allele origin: germline.

Labcorp Genetics (formerly Invitae), Labcorp
Classification: Uncertain significance. Last evaluated: 2022-08-16. Review status: criteria provided, single submitter. Criteria: Invitae Variant Classification Sherloc (09022015). Collection method: clinical testing. Allele origin: germline.
Comment: In summary, the available evidence is currently insufficient to determine the role of this variant in disease. Therefore, it has been classified as a Variant of Uncertain Significance. Algorithms developed to predict the effect of missense changes on protein structure and function output the following: SIFT: "Tolerated"; PolyPhen-2: "Benign"; Align-GVGD: "Class C0". The glycine amino acid residue is found in multiple mammalian species, which suggests that this missense change does not adversely affect protein function. This variant has not been reported in the literature in individuals affected with TBC1D20-related conditions. This variant is not present in population databases (gnomAD no frequency). This sequence change replaces glutamic acid, which is acidic and polar, with glycine, which is neutral and non-polar, at codon 21 of the TBC1D20 protein (p.Glu21Gly).